The following is an entry in ClinVar:

ClinVar aggregate classification (germline): Benign/Likely benign. Review status: criteria provided, multiple submitters, no conflicts (2 of 4 stars). 2 submissions from 2 submitters: Benign (1); Likely benign (1). Last evaluated 2025-09-29.

Allele frequency attached by ClinVar (database versions not stated): ESP Exome Variant Server 0.00008; TOPMed 0.00010; 1000 Genomes Project 30x 0.00016; gnomAD 0.00018; 1000 Genomes Project 0.00020; ExAC 0.00026.

Submissions (2):

Labcorp Genetics (formerly Invitae), Labcorp
Classification: Benign. Last evaluated: 2025-09-29. Review status: criteria provided, single submitter. Criteria: Invitae Variant Classification Sherloc (09022015). Collection method: clinical testing. Allele origin: germline.

CeGaT Center for Human Genetics Tuebingen
Classification: Likely benign. Last evaluated: 2025-07-01. Review status: criteria provided, single submitter. Criteria: CeGaT Center For Human Genetics Tuebingen Variant Classification Criteria Version 2. Collection method: clinical testing. Allele origin: germline. Affected: yes. Observed: 3 variant alleles.
Comment: CUL3: BP4, BP7

NM_003590.5(CUL3):c.768G>A (p.Thr256=)

Gene: CUL3 (cullin 3; minus strand). Cytogenetic location: 2q36.2.
Variant type: single nucleotide variant.
Coding change: c.768G>A on transcript NM_003590.5 (MANE Select); coding-DNA position 768, G replaced by A.
Protein change: p.Thr256=; no amino-acid change (threonine 256 retained).
Molecular consequence: synonymous variant.
Genome position (GRCh38, 1-based): chr2:224,511,469, C>T on the plus strand (G>A on the coding strand, the complement: CUL3 is on the minus strand). VCF-style: chr2-224511469-C-T. GRCh37 (hg19) VCF-style: chr2-225376186-C-T.
Other names: c.570G>A, p.Thr190= (NM_001257197.2); c.786G>A, p.Thr262= (NM_001257198.2).
Identifiers: ClinVar variation 2146579 (VCV002146579.28), dbSNP rs146459312, ClinGen allele CA2140122.